The following is an entry in ClinVar:

NM_001080414.4(CCDC88C):c.5058+18G>A

Gene: CCDC88C (coiled-coil and HOOK domain protein 88C; minus strand). Cytogenetic location: 14q32.11.
Variant type: single nucleotide variant.
Coding change: c.5058+18G>A on transcript NM_001080414.4 (MANE Select); 18 bases into the intron after coding-DNA position 5058, G replaced by A.
Molecular consequence: intron variant.
Genome position (GRCh38, 1-based): chr14:91,277,904, C>T on the plus strand (G>A on the coding strand, the complement: CCDC88C is on the minus strand). VCF-style: chr14-91277904-C-T. GRCh37 (hg19) VCF-style: chr14-91744248-C-T.
Identifiers: ClinVar variation 2964167 (VCV002964167.5), dbSNP rs1035800024, ClinGen allele CA265523639.

ClinVar aggregate classification (germline): Likely benign. Review status: criteria provided, multiple submitters, no conflicts (2 of 4 stars). 2 submissions from 2 submitters: Likely benign (2). Last evaluated 2024-11-26.

Allele frequency attached by ClinVar (database versions not stated): TOPMed 0.00005.
gnomAD v4.1: 16 of 1,474,294 alleles (0.0011%); highest among the groups gnomAD compares: Admixed American, 0.0071%; no homozygotes.

Submissions (2):

Women's Health and Genetics/Laboratory Corporation of America, LabCorp
Classification: Likely benign. Last evaluated: 2024-11-26. Review status: criteria provided, single submitter. Criteria: LabCorp Variant Classification Summary - May 2015. Collection method: clinical testing. Allele origin: germline.
Comment: Variant summary: CCDC88C c.5058+18G>A alters a non-conserved nucleotide located at a position not widely known to affect splicing. Consensus agreement among computation tools predict no significant impact on normal splicing. However, these predictions have yet to be confirmed by functional studies. The variant allele was found at a frequency of 9.8e-06 in 102466 control chromosomes. The available data on variant occurrences in the general population are insufficient to allow any conclusion about variant significance. To our knowledge, no occurrence of c.5058+18G>A in individuals affected with CCDC88C-Related Disorders and no experimental evidence demonstrating its impact on protein function have been reported. ClinVar contains an entry for this variant (Variation ID: 2964167). Based on the evidence outlined above, the variant was classified as likely benign.

Labcorp Genetics (formerly Invitae), Labcorp
Classification: Likely benign. Last evaluated: 2024-02-22. Review status: criteria provided, single submitter. Criteria: Invitae Variant Classification Sherloc (09022015). Collection method: clinical testing. Allele origin: germline.